The following is an entry in ClinVar:

ClinVar aggregate classification (germline): Uncertain significance (1 of 4 stars; one submission).

Conditions:
Inborn genetic diseases. Identifiers: MedGen C0950123, MeSH D030342.

gnomAD v4.1: 2 of 1,558,486 alleles (0.00013%); highest among the groups gnomAD compares: Non-Finnish European, 0.00017%; no homozygotes.

Submission:

Ambry Genetics
Classification: Uncertain significance for Inborn genetic diseases. Last evaluated: 2023-07-12. Review status: criteria provided, single submitter. Criteria: Ambry Variant Classification Scheme 2023. Collection method: clinical testing. Allele origin: germline.
Comment: The c.2185C>T (p.P729S) alteration is located in exon 13 (coding exon 13) of the ANKRD17 gene. This alteration results from a C to T substitution at nucleotide position 2185, causing the proline (P) at amino acid position 729 to be replaced by a serine (S). This variant was not reported in population-based cohorts in the Genome Aggregation Database (gnomAD). This amino acid position is highly conserved in available vertebrate species. This alteration is predicted to be tolerated by in silico analysis. Based on insufficient or conflicting evidence, the clinical significance of this alteration remains unclear.

NM_032217.5(ANKRD17):c.2185C>T (p.Pro729Ser)

Gene: ANKRD17 (ankyrin repeat domain 17; minus strand). Cytogenetic location: 4q13.3.
Variant type: single nucleotide variant.
Coding change: c.2185C>T on transcript NM_032217.5 (MANE Select); coding-DNA position 2185, C replaced by T.
Protein change: p.Pro729Ser; replaces proline 729 with serine.
Molecular consequence: missense variant.
Genome position (GRCh38, 1-based): chr4:73,142,286, G>A on the plus strand (C>T on the coding strand, the complement: ANKRD17 is on the minus strand). VCF-style: chr4-73142286-G-A. GRCh37 (hg19) VCF-style: chr4-74008003-G-A.
Other names: c.1846C>T, p.Pro616Ser (NM_001286771.3); c.2185C>T, p.Pro729Ser (NM_015574.2, NM_198889.3); short protein forms P616S, P729S.
Identifiers: ClinVar variation 2603782 (VCV002603782.2), dbSNP rs771352191, ClinGen allele CA357223537.
Genomic context (GRCh38, chr4:73,142,286, plus strand): 5'-ATTTTTAAAATCTTACCCTATTTAAATCGTGGGATGGGGGAGTTAACTGAGTGACATCTG[G>A]TGGAGGGGCTGAAAGCAAGTTATTAGGATAATCCAAGAGATAGCAAACAACACTTGTATG-3'
Protein context (NP_115593.3, residues 719-739): YPNNLLSAPP[Pro729Ser]DVTQLTPPSH